The following is an entry in ClinVar:

ClinVar aggregate classification (germline): Uncertain significance. Review status: criteria provided, multiple submitters, no conflicts (2 of 4 stars). 3 submissions from 3 submitters: Uncertain significance (3). Last evaluated 2026-01-21.

Conditions:
RYR1-related disorder. Also called: RYR1-related condition; RYR1-related disorders. Identifiers: MedGen CN239331.
Malignant hyperthermia, susceptibility to, 1 (MHS1). Also called: Malignant hyperthermia suceptibility 1; Anesthesia related hyperthermia; Malignant hyperpyrexia; Fulminating hyperpyrexia; Pharmacogenic myopathy; RYR1-Related Malignant Hyperthermia Susceptibility. Identifiers: Orphanet 423, MedGen C2930980, MONDO:0007783, OMIM 145600.

Allele frequency attached by ClinVar (database versions not stated): gnomAD exomes below 0.00001; ExAC 0.00001; gnomAD 0.00005; TOPMed 0.00005.
gnomAD v4.1: 9 of 1,613,968 alleles (0.00056%); highest among the groups gnomAD compares: African/African-American, 0.0093%; no homozygotes.

Submissions (3):

Labcorp Genetics (formerly Invitae), Labcorp
Classification: Uncertain significance for RYR1-related disorder. Last evaluated: 2026-01-21. Review status: criteria provided, single submitter. Criteria: Invitae Variant Classification Sherloc (09022015). Collection method: clinical testing. Allele origin: germline.
Comment: This sequence change replaces arginine, which is basic and polar, with histidine, which is basic and polar, at codon 220 of the RYR1 protein (p.Arg220His). This variant is present in population databases (rs773796075, gnomAD 0.01%). This variant has not been reported in the literature in individuals affected with RYR1-related conditions. ClinVar contains an entry for this variant (Variation ID: 2854755). Invitae Evidence Modeling of protein sequence and biophysical properties (such as structural, functional, and spatial information, amino acid conservation, physicochemical variation, residue mobility, and thermodynamic stability) indicates that this missense variant is expected to disrupt RYR1 protein function with a positive predictive value of 80%. In summary, the available evidence is currently insufficient to determine the role of this variant in disease. Therefore, it has been classified as a Variant of Uncertain Significance.

Color Diagnostics, LLC DBA Color Health
Classification: Uncertain significance for Malignant hyperthermia, susceptibility to, 1. Last evaluated: 2023-11-22. Review status: criteria provided, single submitter. Criteria: ACMG Guidelines, 2015. Collection method: clinical testing. Allele origin: germline.
Comment: This missense variant replaces arginine with histidine at codon 220 of the RYR1 protein. Computational prediction suggests that this variant may have deleterious impact on protein structure and function. To our knowledge, functional studies have not been reported for this variant. This variant has not been reported in individuals affected with RYR1-related disorders in the literature. This variant has not been identified in the general population by the Genome Aggregation Database (gnomAD). The available evidence is insufficient to determine the role of this variant in disease conclusively. Therefore, this variant is classified as a Variant of Uncertain Significance.

Blueprint Genetics
Classification: Uncertain significance. Last evaluated: 2022-08-26. Review status: criteria provided, single submitter. Criteria: ACMG Guidelines, 2015. Collection method: clinical testing. Allele origin: germline.

NM_000540.3(RYR1):c.659G>A (p.Arg220His)

Gene: RYR1 (ryanodine receptor 1; plus strand). Cytogenetic location: 19q13.2.
Variant type: single nucleotide variant.
Coding change: c.659G>A on transcript NM_000540.3 (MANE Select); coding-DNA position 659, G replaced by A.
Protein change: p.Arg220His; replaces arginine 220 with histidine.
Molecular consequence: missense variant.
Genome position (GRCh38, 1-based): chr19:38,446,499, G>A. VCF-style: chr19-38446499-G-A. GRCh37 (hg19) VCF-style: chr19-38937139-G-A.
Other names: c.659G>A, p.Arg220His (NM_001042723.2); short protein forms R220H.
Identifiers: ClinVar variation 2854755 (VCV002854755.5), dbSNP rs773796075, ClinGen allele CA068462.